The following is an entry in ClinVar:

NM_001148.6(ANK2):c.10483_10486del (p.Ser3495fs)

Gene: ANK2 (ankyrin 2; plus strand). Cytogenetic location: 4q26.
Variant type: Deletion.
Coding change: c.10483_10486del on transcript NM_001148.6 (MANE Select); coding-DNA positions 10483 to 10486, 4 bases deleted (TCAG; older notation c.10483_10486delTCAG).
Protein change: p.Ser3495fs; shifts the reading frame from serine 3495.
Molecular consequence: frameshift variant. On other transcripts: intron variant (68).
Genome position (GRCh38, 1-based): chr4:113,359,101-113,359,104, TCAG deleted; deleting any 4 consecutive bases within chr4:113,359,098-113,359,104 gives the same sequence; the c. name uses the placement nearest the transcript's 3' end. VCF-style (leftmost placement, unchanged base first): chr4-113359097-ACAGT-A. GRCh37 (hg19) VCF-style: chr4-114280253-ACAGT-A.
Other names: c.10483_10486delTCAG (NM_001148.4); c.10249_10252del, p.Ser3417fs (NM_001386142.1); c.6883_6886del, p.Ser2295fs (NM_001386166.1); c.10624_10627del, p.Ser3542fs (NM_001386174.1); c.10600_10603del, p.Ser3534fs (NM_001386175.1); c.4412-1722_4412-1719del (NM_001386186.2, NM_001386148.2); c.4214-1722_4214-1719del (NM_001354269.3); c.4292-1722_4292-1719del (NM_001386187.2); and 37 more; short protein forms S3495fs, S2295fs, S3417fs, S3534fs, S3542fs.
Identifiers: ClinVar variation 570614 (VCV000570614.6), dbSNP rs1564067737, ClinGen allele CA891843037.
Genomic context (GRCh38, chr4:113,359,097, plus strand): 5'-TTCCATAGAATTCTTTGAGGAGATTAGTGATGAGGCTTCCAAATTAGTGGATAGGCTGAC[ACAGT>A]CAGAGAGGGAGCAGGAAATAGTTTCAGACGATGAAAGTAGTAGTGCCCTGGAAGTATCAG-3'

ClinVar aggregate classification (germline): Pathogenic. Review status: criteria provided, multiple submitters, no conflicts (2 of 4 stars). 2 submissions from 2 submitters: Pathogenic (2). Last evaluated 2026-04-01.

Conditions:
Long QT syndrome (LQTS). Identifiers: MedGen C0023976, MeSH D008133, MONDO:0002442. Disease mechanism: loss of function. Inheritance: Various modes of inheritance.

Submissions (2):

GeneDx
Classification: Pathogenic. Last evaluated: 2026-04-01. Review status: criteria provided, single submitter. Criteria: GeneDx Variant Classification Process June 2021. Collection method: clinical testing. Allele origin: germline.
Comment: Frameshift variant predicted to result in protein truncation or nonsense mediated decay in a gene for which loss of function is a known mechanism of disease; Not observed at significant frequency in large population cohorts (gnomAD); Has not been previously published as pathogenic or benign in association with an ANK2-related disorder to our knowledge; This variant is associated with the following publications: (PMID: 36475376)

Labcorp Genetics (formerly Invitae), Labcorp
Classification: Pathogenic for Long QT syndrome. Last evaluated: 2024-04-17. Review status: criteria provided, single submitter. Criteria: Invitae Variant Classification Sherloc (09022015). Collection method: clinical testing. Allele origin: germline.
Comment: This sequence change creates a premature translational stop signal (p.Ser3495Argfs*6) in the ANK2 gene. It is expected to result in an absent or disrupted protein product. Loss-of-function variants in ANK2 are known to be pathogenic (PMID: 37195288). This variant is not present in population databases (gnomAD no frequency). This variant has not been reported in the literature in individuals affected with ANK2-related conditions. ClinVar contains an entry for this variant (Variation ID: 570614). Algorithms developed to predict the effect of sequence changes on RNA splicing suggest that this variant may disrupt the consensus splice site. For these reasons, this variant has been classified as Pathogenic.

Literature cited by the submitters: PubMed 37195288 (cited by Labcorp Genetics (formerly Invitae), Labcorp).